The following is an entry in ClinVar:

NM_001002295.2(GATA3):c.55C>T (p.Leu19Phe)

Gene: GATA3 (GATA binding protein 3; plus strand). Cytogenetic location: 10p14.
Variant type: single nucleotide variant.
Coding change: c.55C>T on transcript NM_001002295.2 (MANE Select); coding-DNA position 55, C replaced by T.
Protein change: p.Leu19Phe; replaces leucine 19 with phenylalanine.
Molecular consequence: missense variant.
Genome position (GRCh38, 1-based): chr10:8,055,710, C>T. VCF-style: chr10-8055710-C-T. GRCh37 (hg19) VCF-style: chr10-8097673-C-T.
Other names: c.55C>T, p.Leu19Phe (NM_002051.3); short protein forms L19F.
Identifiers: ClinVar variation 2791530 (VCV002791530.3), dbSNP rs1014542996, ClinGen allele CA375965019.

ClinVar aggregate classification (germline): Uncertain significance (1 of 4 stars; one submission).

gnomAD v4.1: 3 of 1,565,510 alleles (0.00019%); highest among the groups gnomAD compares: Non-Finnish European, 0.00026%; no homozygotes.

Submission:

Labcorp Genetics (formerly Invitae), Labcorp
Classification: Uncertain significance. Last evaluated: 2024-10-29. Review status: criteria provided, single submitter. Criteria: Invitae Variant Classification Sherloc (09022015). Collection method: clinical testing. Allele origin: germline.
Comment: This sequence change replaces leucine, which is neutral and non-polar, with phenylalanine, which is neutral and non-polar, at codon 19 of the GATA3 protein (p.Leu19Phe). This variant is not present in population databases (gnomAD no frequency). This variant has not been reported in the literature in individuals affected with GATA3-related conditions. ClinVar contains an entry for this variant (Variation ID: 2791530). An algorithm developed to predict the effect of missense changes on protein structure and function (PolyPhen-2) suggests that this variant is likely to be disruptive. In summary, the available evidence is currently insufficient to determine the role of this variant in disease. Therefore, it has been classified as a Variant of Uncertain Significance.